The following is an entry in ClinVar:

NM_001105206.3(LAMA4):c.196-12T>C

Gene: LAMA4 (laminin subunit alpha 4; minus strand). Cytogenetic location: 6q21.
Variant type: single nucleotide variant.
Coding change: c.196-12T>C on transcript NM_001105206.3 (MANE Select); 12 bases into the intron before coding-DNA position 196, T replaced by C.
Molecular consequence: intron variant.
Genome position (GRCh38, 1-based): chr6:112,216,481, A>G on the plus strand (T>C on the coding strand, the complement: LAMA4 is on the minus strand). VCF-style: chr6-112216481-A-G. GRCh37 (hg19) VCF-style: chr6-112537682-A-G.
Other names: c.196-12T>C (NM_002290.5, NM_001105207.3).
Identifiers: ClinVar variation 44354 (VCV000044354.26), dbSNP rs78871662, ClinGen allele CA282364.

ClinVar aggregate classification (germline): Benign. Review status: criteria provided, multiple submitters, no conflicts (2 of 4 stars). 9 submissions from 9 submitters: Benign (5). 4 of the submissions do not count toward it. Last evaluated 2026-02-03.

Conditions:
Dilated cardiomyopathy 1JJ (CMD1JJ). Identifiers: Orphanet 154, MedGen C3808935, MONDO:0014095, OMIM 615235.

Allele frequency attached by ClinVar (database versions not stated): TOPMed 0.01553; gnomAD 0.01627 and 0.01634; gnomAD exomes 0.02001 and 0.01895; ESP Exome Variant Server 0.01492; 1000 Genomes Project 0.01218; 1000 Genomes Project 30x 0.01109; ExAC 0.01967.
gnomAD v4.1: 30,736 of 1,553,406 alleles (2%); highest among the groups gnomAD compares: Middle Eastern, 8.1%; 389 homozygotes.

Submissions (9):

Labcorp Genetics (formerly Invitae), Labcorp
Classification: Benign for Dilated cardiomyopathy 1JJ. Last evaluated: 2026-02-03. Review status: criteria provided, single submitter. Criteria: Invitae Variant Classification Sherloc (09022015). Collection method: clinical testing. Allele origin: germline.

ARUP Laboratories, Molecular Genetics and Genomics, ARUP Laboratories
Classification: Benign for Dilated cardiomyopathy 1JJ. Last evaluated: 2023-11-28. Review status: criteria provided, single submitter. Criteria: ARUP Molecular Germline Variant Investigation Process 2024. Collection method: clinical testing. Allele origin: germline.

Women's Health and Genetics/Laboratory Corporation of America, LabCorp
Classification: Benign. Last evaluated: 2023-07-29. Review status: criteria provided, single submitter. Criteria: LabCorp Variant Classification Summary - May 2015. Collection method: clinical testing. Allele origin: germline.

GeneDx
Classification: Benign. Last evaluated: 2014-03-10. Review status: criteria provided, single submitter. Criteria: GeneDx Variant Classification (06012015). Collection method: clinical testing. Allele origin: germline. Affected: yes.
Comment: This variant is considered likely benign or benign based on one or more of the following criteria: it is a conservative change, it occurs at a poorly conserved position in the protein, it is predicted to be benign by multiple in silico algorithms, and/or has population frequency not consistent with disease.

Laboratory for Molecular Medicine, Mass General Brigham Personalized Medicine
Classification: Benign. Last evaluated: 2012-02-16. Review status: criteria provided, single submitter. Criteria: LMM Criteria. Collection method: clinical testing. Allele origin: germline. Observed: 83 variant alleles.
Comment: 196-12T>C in intron 2 of LAMA4: This variant is not expected to have clinical si gnificance because it has been identified in 2% (143/7020) of European American chromosomes from a broad population by the NHLBI Exome Sequencing Project (dbSNP rs78871662).

Clinical Genetics, Academic Medical Center
Classification: Benign. Review status: no assertion criteria provided. Collection method: clinical testing. Allele origin: germline. Affected: yes. Study: VKGL Data-share Consensus. Not counted in ClinVar's aggregate classification.

Diagnostic Laboratory, Department of Genetics, University Medical Center Groningen
Classification: Likely benign for Dilated cardiomyopathy 1JJ. Review status: no assertion criteria provided. Collection method: clinical testing. Allele origin: germline. Affected: yes. Study: VKGL Data-share Consensus. Not counted in ClinVar's aggregate classification.

Genome Diagnostics Laboratory, University Medical Center Utrecht
Classification: Benign. Review status: no assertion criteria provided. Collection method: clinical testing. Allele origin: germline. Affected: yes. Study: VKGL Data-share Consensus. Not counted in ClinVar's aggregate classification.

Joint Genome Diagnostic Labs from Nijmegen and Maastricht, Radboudumc and MUMC+
Classification: Benign. Review status: no assertion criteria provided. Collection method: clinical testing. Allele origin: germline. Affected: yes. Study: VKGL Data-share Consensus. Not counted in ClinVar's aggregate classification.

Literature cited by the submitters: PubMed 20890277 (cited by Laboratory for Molecular Medicine, Mass General Brigham Personalized Medicine).